The following is an entry in ClinVar:

ClinVar aggregate classification (germline): Uncertain significance (1 of 4 stars; one submission).

Allele frequency attached by ClinVar (database versions not stated): TOPMed below 0.00001; gnomAD exomes 0.00001; ExAC 0.00002.
gnomAD v4.1: 20 of 1,612,946 alleles (0.0012%); highest among the groups gnomAD compares: African/African-American, 0.0027%; no homozygotes.

Submission:

Labcorp Genetics (formerly Invitae), Labcorp
Classification: Uncertain significance. Last evaluated: 2022-04-28. Review status: criteria provided, single submitter. Criteria: Invitae Variant Classification Sherloc (09022015). Collection method: clinical testing. Allele origin: germline.
Comment: Algorithms developed to predict the effect of missense changes on protein structure and function are either unavailable or do not agree on the potential impact of this missense change (SIFT: "Deleterious"; PolyPhen-2: "Benign"; Align-GVGD: "Class C0"). ClinVar contains an entry for this variant (Variation ID: 1042798). This variant has not been reported in the literature in individuals affected with RBP3-related conditions. This variant is present in population databases (rs782314171, gnomAD 0.002%). This sequence change replaces glutamic acid, which is acidic and polar, with lysine, which is basic and polar, at codon 707 of the RBP3 protein (p.Glu707Lys). In summary, the available evidence is currently insufficient to determine the role of this variant in disease. Therefore, it has been classified as a Variant of Uncertain Significance.

NM_002900.3(RBP3):c.2119G>A (p.Glu707Lys)

Gene: RBP3 (retinol binding protein 3; plus strand). Cytogenetic location: 10q11.22.
Variant type: single nucleotide variant.
Coding change: c.2119G>A on transcript NM_002900.3 (MANE Select); coding-DNA position 2119, G replaced by A.
Protein change: p.Glu707Lys; replaces glutamic acid 707 with lysine.
Molecular consequence: missense variant.
Genome position (GRCh38, 1-based): chr10:47,350,603, G>A. VCF-style: chr10-47350603-G-A. GRCh37 (hg19) VCF-style: chr10-48388759-C-T.
Other names: short protein forms E707K.
Identifiers: ClinVar variation 1042798 (VCV001042798.8), dbSNP rs782314171, ClinGen allele CA5487352.